The following is an entry in ClinVar:

NM_000540.3(RYR1):c.10991C>G (p.Thr3664Ser)

Gene: RYR1 (ryanodine receptor 1; plus strand). Cytogenetic location: 19q13.2.
Variant type: single nucleotide variant.
Coding change: c.10991C>G on transcript NM_000540.3 (MANE Select); coding-DNA position 10991, C replaced by G.
Protein change: p.Thr3664Ser; replaces threonine 3664 with serine.
Molecular consequence: missense variant.
Genome position (GRCh38, 1-based): chr19:38,528,652, C>G. VCF-style: chr19-38528652-C-G. GRCh37 (hg19) VCF-style: chr19-39019292-C-G.
Other names: c.10976C>G, p.Thr3659Ser (NM_001042723.2); short protein forms T3659S, T3664S.
Identifiers: ClinVar variation 4757783 (VCV004757783.2).

ClinVar aggregate classification (germline): Uncertain significance. Review status: criteria provided, multiple submitters, no conflicts (2 of 4 stars). 2 submissions from 2 submitters: Uncertain significance (2). Last evaluated 2025-09-05.

Conditions:
Malignant hyperthermia, susceptibility to, 1 (MHS1). Also called: RYR1-Related Malignant Hyperthermia Susceptibility; Malignant hyperthermia suceptibility 1; Anesthesia related hyperthermia; Malignant hyperpyrexia; Fulminating hyperpyrexia; Pharmacogenic myopathy. Identifiers: Orphanet 423, MedGen C2930980, MONDO:0007783, OMIM 145600.

gnomAD v4.1: 1 of 1,614,082 alleles (0.000062%); highest among the groups gnomAD compares: African/African-American, 0.0013%; no homozygotes.

Submissions (2):

Color Diagnostics, LLC DBA Color Health
Classification: Uncertain significance for Malignant hyperthermia, susceptibility to, 1. Last evaluated: 2025-09-05. Review status: criteria provided, single submitter. Criteria: ACMG Guidelines, 2015. Collection method: clinical testing. Allele origin: germline.
Comment: This missense variant replaces threonine with serine at codon 3664 of the RYR1 protein. Computational prediction suggests that this variant may not impact protein structure and function. To our knowledge, functional studies have not been reported for this variant. This variant has not been reported in individuals affected with RYR1-related disorders in the literature. This variant has not been identified in the general population by the Genome Aggregation Database (gnomAD). The available evidence is insufficient to determine the role of this variant in disease conclusively. Therefore, this variant is classified as a Variant of Uncertain Significance.

GeneDx
Classification: Uncertain significance. Last evaluated: 2025-08-15. Review status: criteria provided, single submitter. Criteria: GeneDx Variant Classification Process June 2021. Collection method: clinical testing. Allele origin: germline. Affected: yes.
Comment: Not observed at significant frequency in large population cohorts (gnomAD); In silico analysis supports that this missense variant has a deleterious effect on protein structure/function; Has not been previously published as pathogenic or benign to our knowledge